The following is an entry in ClinVar:

NM_001540.5(HSPB1):c.457G>A (p.Val153Ile)

Gene: HSPB1 (heat shock protein family B (small) member 1; plus strand). Cytogenetic location: 7q11.23.
Variant type: single nucleotide variant.
Coding change: c.457G>A on transcript NM_001540.5 (MANE Select); coding-DNA position 457, G replaced by A.
Protein change: p.Val153Ile; replaces valine 153 with isoleucine.
Molecular consequence: missense variant.
Genome position (GRCh38, 1-based): chr7:76,304,012, G>A. VCF-style: chr7-76304012-G-A. GRCh37 (hg19) VCF-style: chr7-75933329-G-A.
Other names: short protein forms V153I.
Identifiers: ClinVar variation 2909600 (VCV002909600.3), dbSNP rs1438473474, ClinGen allele CA367765829.
Genomic context (GRCh38, chr7:76,304,012, plus strand): 5'-GTAACGCTTGCCTTTCCTCTCTGCACGTCCAGGCTGCCCCCCGGTGTGGACCCCACCCAA[G>A]TTTCCTCCTCCCTGTCCCCTGAGGGCACACTGACCGTGGAGGCCCCCATGCCCAAGCTAG-3'
Protein context (NP_001531.1, residues 143-163): TLPPGVDPTQ[Val153Ile]SSSLSPEGTL

ClinVar aggregate classification (germline): Uncertain significance (1 of 4 stars; one submission).

Conditions:
Charcot-Marie-Tooth disease axonal type 2F (CMT2F). Also called: Charcot-Marie-Tooth Neuropathy Type 2F; CHARCOT-MARIE-TOOTH DISEASE, NEURONAL, TYPE 2F. Identifiers: Orphanet 99940, MedGen C1847823, MONDO:0011687, OMIM 606595.

Allele frequency attached by ClinVar (database versions not stated): gnomAD 0.00001; TOPMed 0.00001.

Submission:

Labcorp Genetics (formerly Invitae), Labcorp
Classification: Uncertain significance for Charcot-Marie-Tooth disease axonal type 2F. Last evaluated: 2023-01-20. Review status: criteria provided, single submitter. Criteria: Invitae Variant Classification Sherloc (09022015). Collection method: clinical testing. Allele origin: germline.
Comment: In summary, the available evidence is currently insufficient to determine the role of this variant in disease. Therefore, it has been classified as a Variant of Uncertain Significance. Advanced modeling of protein sequence and biophysical properties (such as structural, functional, and spatial information, amino acid conservation, physicochemical variation, residue mobility, and thermodynamic stability) has been performed at Invitae for this missense variant, however the output from this modeling did not meet the statistical confidence thresholds required to predict the impact of this variant on HSPB1 protein function. This variant has not been reported in the literature in individuals affected with HSPB1-related conditions. This variant is present in population databases (no rsID available, gnomAD 0.002%). This sequence change replaces valine, which is neutral and non-polar, with isoleucine, which is neutral and non-polar, at codon 153 of the HSPB1 protein (p.Val153Ile).